The following is an entry in ClinVar:

ClinVar aggregate classification (germline): Uncertain significance (1 of 4 stars; one submission).

Allele frequency attached by ClinVar (database versions not stated): gnomAD 0.00002; TOPMed 0.00003.
gnomAD v4.1: 29 of 1,613,658 alleles (0.0018%); highest among the groups gnomAD compares: Admixed American, 0.0033%; no homozygotes.

Submission:

Labcorp Genetics (formerly Invitae), Labcorp
Classification: Uncertain significance. Last evaluated: 2023-07-17. Review status: criteria provided, single submitter. Criteria: Invitae Variant Classification Sherloc (09022015). Collection method: clinical testing. Allele origin: germline.
Comment: ClinVar contains an entry for this variant (Variation ID: 1347219). Advanced modeling of protein sequence and biophysical properties (such as structural, functional, and spatial information, amino acid conservation, physicochemical variation, residue mobility, and thermodynamic stability) performed at Invitae indicates that this missense variant is not expected to disrupt DOCK6 protein function. In summary, the available evidence is currently insufficient to determine the role of this variant in disease. Therefore, it has been classified as a Variant of Uncertain Significance. This variant has not been reported in the literature in individuals affected with DOCK6-related conditions. This variant is present in population databases (rs746199561, gnomAD 0.006%). This sequence change replaces arginine, which is basic and polar, with histidine, which is basic and polar, at codon 869 of the DOCK6 protein (p.Arg869His).

NM_020812.4(DOCK6):c.2606G>A (p.Arg869His)

Gene: DOCK6 (dedicator of cytokinesis 6; minus strand). Cytogenetic location: 19p13.2.
Variant type: single nucleotide variant.
Coding change: c.2606G>A on transcript NM_020812.4 (MANE Select); coding-DNA position 2606, G replaced by A.
Protein change: p.Arg869His; replaces arginine 869 with histidine.
Molecular consequence: missense variant.
Genome position (GRCh38, 1-based): chr19:11,233,315, C>T on the plus strand (G>A on the coding strand, the complement: DOCK6 is on the minus strand). VCF-style: chr19-11233315-C-T. GRCh37 (hg19) VCF-style: chr19-11343991-C-T.
Other names: c.2606G>A, p.Arg869His (NM_001367830.1); short protein forms R869H.
Identifiers: ClinVar variation 1347219 (VCV001347219.8), dbSNP rs746199561, ClinGen allele CA9207566.